The following is an entry in ClinVar:

ClinVar aggregate classification (germline): Uncertain significance (1 of 4 stars; one submission).

gnomAD v4.1: 1 of 1,614,214 alleles (0.000062%); highest among the groups gnomAD compares: Non-Finnish European, 0.000085%; no homozygotes.

Submission:

GeneDx
Classification: Uncertain significance. Last evaluated: 2026-03-01. Review status: criteria provided, single submitter. Criteria: GeneDx Variant Classification Process June 2021. Collection method: clinical testing. Allele origin: germline.
Comment: Not observed at significant frequency in large population cohorts (gnomAD); In silico analysis supports that this missense variant has a deleterious effect on protein structure/function; Has not been previously published as pathogenic or benign to our knowledge

NM_001429.4(EP300):c.631G>C (p.Gly211Arg)

Gene: EP300 (EP300 lysine acetyltransferase; plus strand). Cytogenetic location: 22q13.2.
Variant type: single nucleotide variant.
Coding change: c.631G>C on transcript NM_001429.4 (MANE Select); coding-DNA position 631, G replaced by C.
Protein change: p.Gly211Arg; replaces glycine 211 with arginine.
Molecular consequence: missense variant.
Genome position (GRCh38, 1-based): chr22:41,117,723, G>C. VCF-style: chr22-41117723-G-C. GRCh37 (hg19) VCF-style: chr22-41513727-G-C.
Other names: c.631G>C, p.Gly211Arg (NM_001362843.2); short protein forms G211R.
Identifiers: ClinVar variation 5008323 (VCV005008323.1).